The following is an entry in ClinVar:

ClinVar aggregate classification (germline): Uncertain significance. Review status: criteria provided, multiple submitters, no conflicts (2 of 4 stars). 2 submissions from 2 submitters: Uncertain significance (2). Last evaluated 2026-03-25.

Conditions:
Oto-palato-digital syndrome, type II (OPD2). Also called: FACIOPALATOOSSEOUS SYNDROME; OPD II SYNDROME; Otopalatodigital Syndrome, Type II; Otopalatodigital Syndrome Type 2 (FLNA-OPD2). Identifiers: Orphanet 669, Orphanet 90652, MedGen C1844696, MONDO:0010571, OMIM 304120.
Heterotopia, periventricular, X-linked dominant (PVNH1). Also called: PERIVENTRICULAR NODULAR HETEROTOPIA 1; X-linked periventricular heterotopia; PERIVENTRICULAR NODULAR HETEROTOPIA 4; HETEROTOPIA, PERIVENTRICULAR, 1. Identifiers: Orphanet 2149, Orphanet 82004, MedGen C1848213, MONDO:0010233, OMIM 300049.
Melnick-Needles syndrome (MNS). Also called: MELNICK-NEEDLES OSTEODYSPLASTY; OSTEODYSPLASTY OF MELNICK AND NEEDLES; Melnick-Needles Syndrome (FLNA-MNS). Identifiers: Orphanet 2484, MedGen C0025237, MONDO:0010650, OMIM 309350.
Frontometaphyseal dysplasia (FMD1). Identifiers: Orphanet 1826, MedGen C0265293, MONDO:0015942.

gnomAD v4.1: 1 of 1,208,360 alleles (0.000083%); no homozygotes.

Submissions (2):

Dasa
Classification: Uncertain significance. Last evaluated: 2026-03-25. Review status: criteria provided, single submitter. Criteria: DASA Assertion Criteria. Collection method: clinical testing. Allele origin: germline.
Comment: NM_001110556.2(FLNA):c.3234G>T (p.Gln1078His) is a missense variant that results in the substitution of glutamine with histidine. This variant is rare in population databases. The currently available literature and clinical evidence are not sufficient to establish a definitive association between this variant and the reported condition. Therefore, this variant is classified as a variant of uncertain significance.

Labcorp Genetics (formerly Invitae), Labcorp
Classification: Uncertain significance for Oto-palato-digital syndrome, type II; Heterotopia, periventricular, X-linked dominant; Frontometaphyseal dysplasia; Melnick-Needles syndrome. Last evaluated: 2025-09-04. Review status: criteria provided, single submitter. Criteria: Invitae Variant Classification Sherloc (09022015). Collection method: clinical testing. Allele origin: germline.
Comment: This sequence change replaces glutamine, which is neutral and polar, with histidine, which is basic and polar, at codon 1078 of the FLNA protein (p.Gln1078His). This variant is not present in population databases (gnomAD no frequency). This variant has not been reported in the literature in individuals affected with FLNA-related conditions. Invitae Evidence Modeling of protein sequence and biophysical properties (such as structural, functional, and spatial information, amino acid conservation, physicochemical variation, residue mobility, and thermodynamic stability) indicates that this missense variant is not expected to disrupt FLNA protein function with a negative predictive value of 95%. In summary, the available evidence is currently insufficient to determine the role of this variant in disease. Therefore, it has been classified as a Variant of Uncertain Significance.

NM_001110556.2(FLNA):c.3234G>T (p.Gln1078His)

Gene: FLNA (filamin A; minus strand). Cytogenetic location: Xq28.
Variant type: single nucleotide variant.
Coding change: c.3234G>T on transcript NM_001110556.2 (MANE Select); coding-DNA position 3234, G replaced by T.
Protein change: p.Gln1078His; replaces glutamine 1078 with histidine.
Molecular consequence: missense variant.
Genome position (GRCh38, 1-based): chrX:154,360,561, C>A on the plus strand (G>T on the coding strand, the complement: FLNA is on the minus strand). VCF-style: chrX-154360561-C-A. GRCh37 (hg19) VCF-style: chrX-153588929-C-A.
Other names: c.3234G>T, p.Gln1078His (NM_001456.4); short protein forms Q1078H.
Identifiers: ClinVar variation 4790596 (VCV004790596.3).